The following is an entry in ClinVar:

ClinVar aggregate classification (germline): Uncertain significance. Review status: criteria provided, multiple submitters, no conflicts (2 of 4 stars). 2 submissions from 2 submitters: Uncertain significance (2). Last evaluated 2024-09-14.

Allele frequency attached by ClinVar (database versions not stated): gnomAD exomes below 0.00001.
gnomAD v4.1: 2 of 1,614,104 alleles (0.00012%); highest among the groups gnomAD compares: Non-Finnish European, 0.00017%; no homozygotes.

Submissions (2):

Labcorp Genetics (formerly Invitae), Labcorp
Classification: Uncertain significance. Last evaluated: 2024-09-14. Review status: criteria provided, single submitter. Criteria: Invitae Variant Classification Sherloc (09022015). Collection method: clinical testing. Allele origin: germline.
Comment: This sequence change replaces tyrosine, which is neutral and polar, with histidine, which is basic and polar, at codon 218 of the COL11A2 protein (p.Tyr218His). This variant is not present in population databases (gnomAD no frequency). This variant has not been reported in the literature in individuals affected with COL11A2-related conditions. Invitae Evidence Modeling of protein sequence and biophysical properties (such as structural, functional, and spatial information, amino acid conservation, physicochemical variation, residue mobility, and thermodynamic stability) indicates that this missense variant is not expected to disrupt COL11A2 protein function with a negative predictive value of 95%. In summary, the available evidence is currently insufficient to determine the role of this variant in disease. Therefore, it has been classified as a Variant of Uncertain Significance.

GeneDx
Classification: Uncertain significance. Last evaluated: 2024-01-17. Review status: criteria provided, single submitter. Criteria: GeneDx Variant Classification Process June 2021. Collection method: clinical testing. Allele origin: germline. Affected: yes.
Comment: Has not been previously published as pathogenic or benign to our knowledge; Not observed at significant frequency in large population cohorts (gnomAD); In silico analysis supports that this missense variant has a deleterious effect on protein structure/function

NM_080680.3(COL11A2):c.652T>C (p.Tyr218His)

Gene: COL11A2 (collagen type XI alpha 2 chain; minus strand). Cytogenetic location: 6p21.32.
Variant type: single nucleotide variant.
Coding change: c.652T>C on transcript NM_080680.3 (MANE Select); coding-DNA position 652, T replaced by C.
Protein change: p.Tyr218His; replaces tyrosine 218 with histidine.
Molecular consequence: missense variant. On other transcripts: 5 prime UTR variant (3), non-coding transcript variant (1).
Genome position (GRCh38, 1-based): chr6:33,186,773, A>G on the plus strand (T>C on the coding strand, the complement: COL11A2 is on the minus strand). VCF-style: chr6-33186773-A-G. GRCh37 (hg19) VCF-style: chr6-33154550-A-G.
Other names: c.652T>C, p.Tyr218His (NM_001163771.2, NM_001424108.1, NM_080679.3 and 1 more transcripts); c.-195T>C (NM_001424109.1, NM_001424110.1, NM_001424111.1); short protein forms Y218H.
Identifiers: ClinVar variation 3252536 (VCV003252536.3), dbSNP rs2535506228.
Genomic context (GRCh38, chr6:33,186,773, plus strand): 5'-TTTGGGGTCTTTCCCTCTGGCCCCCCTCGCATTCCAGCTCCTTCTGTTCACATGATTCAT[A>G]GGCTGCCTGGACCCCTGGGACAATGGCCAGCTCCTGGACATCACCCTGCAAAGACATGAG-3'
Protein context (NP_542411.2, residues 208-228): LAIVPGVQAA[Tyr218His]ESCEQKELEC